The following is an entry in ClinVar:

NM_004385.5(VCAN):c.3957C>A (p.His1319Gln)

Gene: VCAN (versican; plus strand). Cytogenetic location: 5q14.3.
Variant type: single nucleotide variant.
Coding change: c.3957C>A on transcript NM_004385.5 (MANE Select); coding-DNA position 3957, C replaced by A.
Protein change: p.His1319Gln; replaces histidine 1319 with glutamine.
Molecular consequence: missense variant. On other transcripts: intron variant (2).
Genome position (GRCh38, 1-based): chr5:83,522,263, C>A. VCF-style: chr5-83522263-C-A. GRCh37 (hg19) VCF-style: chr5-82818082-C-A.
Other names: c.3957C>A, p.His1319Gln (NM_001164098.2); c.1042+9867C>A (NM_001164097.2, NM_001126336.3); short protein forms H1319Q.
Identifiers: ClinVar variation 198509 (VCV000198509.18), dbSNP rs143393049, ClinGen allele CA247189.

ClinVar aggregate classification (germline): Conflicting classifications of pathogenicity. Review status: criteria provided, conflicting classifications (1 of 4 stars). 5 submissions from 5 submitters: Uncertain significance (2); Likely benign (3). Last evaluated 2026-06-02.

Conditions:
VCAN-related disorder. Also called: VCAN-related condition.
Inborn genetic diseases. Identifiers: MedGen C0950123, MeSH D030342.

Allele frequency attached by ClinVar (database versions not stated): 1000 Genomes Project 30x 0.00016; 1000 Genomes Project 0.00020; gnomAD 0.00031 and 0.00032; TOPMed 0.00039; ESP Exome Variant Server 0.00062.
gnomAD v4.1: 92 of 1,599,668 alleles (0.0058%); highest among the groups gnomAD compares: African/African-American, 0.11%; no homozygotes.

Submissions (5):

PreventionGenetics, part of Exact Sciences
Classification: Likely benign for VCAN-related condition. Last evaluated: 2026-06-02. Review status: criteria provided, single submitter. Criteria: ACMG Guidelines, 2015. Collection method: clinical testing. Allele origin: germline.
Comment: This variant is classified as likely benign based on ACMG/AMP sequence variant interpretation guidelines (Richards et al. 2015 PMID: 25741868, with internal and published modifications).

Labcorp Genetics (formerly Invitae), Labcorp
Classification: Likely benign. Last evaluated: 2025-11-16. Review status: criteria provided, single submitter. Criteria: Invitae Variant Classification Sherloc (09022015). Collection method: clinical testing. Allele origin: germline.

Blueprint Genetics
Classification: Likely benign. Last evaluated: 2024-11-11. Review status: criteria provided, single submitter. Criteria: ACMG Guidelines, 2015. Collection method: clinical testing. Allele origin: germline.

Ambry Genetics
Classification: Uncertain significance for Inborn genetic diseases. Last evaluated: 2024-10-20. Review status: criteria provided, single submitter. Criteria: Ambry Variant Classification Scheme 2023. Collection method: clinical testing. Allele origin: germline.

Eurofins Ntd Llc (ga)
Classification: Uncertain significance. Last evaluated: 2014-06-20. Review status: criteria provided, single submitter. Criteria: EGL Classification Definitions 2015. Collection method: clinical testing. Allele origin: germline. Observed: 1 variant allele, 1 heterozygote.